The following is an entry in ClinVar:

NM_003630.3(PEX3):c.412G>A (p.Gly138Arg)

Gene: PEX3 (peroxisomal biogenesis factor 3; plus strand). Cytogenetic location: 6q24.2.
Variant type: single nucleotide variant.
Coding change: c.412G>A on transcript NM_003630.3 (MANE Select); coding-DNA position 412, G replaced by A.
Protein change: p.Gly138Arg; replaces glycine 138 with arginine.
Molecular consequence: missense variant.
Genome position (GRCh38, 1-based): chr6:143,471,041, G>A. VCF-style: chr6-143471041-G-A. GRCh37 (hg19) VCF-style: chr6-143792178-G-A.
Other names: short protein forms G138R.
Identifiers: ClinVar variation 631555 (VCV000631555.3), dbSNP rs1562654527, ClinGen allele CA365909968.

ClinVar aggregate classification (germline): Conflicting classifications of pathogenicity. Review status: criteria provided, conflicting classifications (1 of 4 stars). 2 submissions from 2 submitters: Likely pathogenic (1); Uncertain significance (1). Last evaluated 2019-05-23.

Conditions:
Peroxisome biogenesis disorder 1A (Zellweger) (PBD1A). Also called: Peroxisome biogenesis disorder 1a; Zellweger leukodystrophy. Identifiers: MedGen C4721541, MONDO:0008953, OMIM 214100.

Submissions (2):

Clinical Molecular Genetics Laboratory, Johns Hopkins All Children's Hospital
Classification: Likely pathogenic for Zellweger syndrome. Last evaluated: 2019-05-23. Review status: criteria provided, single submitter. Criteria: ACMG Guidelines, 2015. Collection method: clinical testing. Allele origin: germline. Inheritance: Autosomal recessive inheritance. Affected: no.

GeneDx
Classification: Uncertain significance. Last evaluated: 2019-04-18. Review status: criteria provided, single submitter. Criteria: GeneDx Variant Classification Process June 2021. Collection method: clinical testing. Allele origin: germline. Affected: yes.
Comment: Has not been previously published as pathogenic or benign to our knowledge; Not observed in large population cohorts (Lek et al., 2016); In silico analysis, which includes protein predictors and evolutionary conservation, supports a deleterious effect